The following is an entry in ClinVar:

NM_005639.3(SYT1):c.911A>T (p.Asp304Val)

Gene: SYT1 (synaptotagmin 1; plus strand). Cytogenetic location: 12q21.2.
Variant type: single nucleotide variant.
Coding change: c.911A>T on transcript NM_005639.3 (MANE Select); coding-DNA position 911, A replaced by T.
Protein change: p.Asp304Val; replaces aspartic acid 304 with valine.
Molecular consequence: missense variant.
Genome position (GRCh38, 1-based): chr12:79,353,602, A>T. VCF-style: chr12-79353602-A-T. GRCh37 (hg19) VCF-style: chr12-79747382-A-T.
Other names: c.911A>T, p.Asp304Val (NM_001135805.2, NM_001135806.2, NM_001415938.1 and 2 more transcripts); c.902A>T, p.Asp301Val (NM_001291901.2, NM_001415941.1, NM_001415942.1 and 1 more transcripts); short protein forms D301V, D304V.
Identifiers: ClinVar variation 3377237 (VCV003377237.1).

ClinVar aggregate classification (germline): Likely pathogenic (1 of 4 stars; one submission).

Conditions:
Infantile hypotonia-oculomotor anomalies-hyperkinetic movements-developmental delay syndrome. Also called: BAKER-GORDON SYNDROME; NEURODEVELOPMENTAL DISORDER WITH INVOLUNTARY MOVEMENT AND ABNORMAL ELECTROENCEPHALOGRAM. Identifiers: Orphanet 522077, MedGen C4748715, MONDO:0033864, OMIM 618218.

Submission:

Victorian Clinical Genetics Services, Murdoch Childrens Research Institute
Classification: Likely pathogenic for Infantile hypotonia-oculomotor anomalies-hyperkinetic movements-developmental delay syndrome. Last evaluated: 2024-10-09. Review status: criteria provided, single submitter. Criteria: ACMG Guidelines, 2015. Collection method: clinical testing. Allele origin: germline. Inheritance: Autosomal dominant inheritance. Affected: yes.
Comment: Based on the classification scheme VCGS_Germline_v1.3.5, this variant is classified as likely pathogenic. Following criteria are met: 0104 - Dominant negative is a known mechanism of disease in this gene and is associated with Baker-Gordon syndrome (MIM#618218). SYT1 variants dose-dependently impaired synaptic transmission, which demonstrated a potent, graded dominant negative effect (PMID: 32362337). (I) 0107 - This gene is associated with autosomal dominant disease. (I) 0200 - Variant is predicted to result in a missense amino acid change from aspartic acid to valine. (I) 0251 - This variant is heterozygous. (I) 0301 - Variant is absent from gnomAD (v2, v3 and v4). (SP) 0501 - Missense variant consistently predicted to be damaging by multiple in silico tools or highly conserved with a major amino acid change. (SP) 0602 - Variant is located in a hotspot region or cluster of pathogenic variants. This variant is located at a calcium ion binding side in the C2B Synaptotagmin-1 domain in a cluster of pathogenic variants (NCBI, PMID: 30107533). (SP) 0704 - Another missense variant comparable to the one identified in this case has limited previous evidence for pathogenicity. p.(Asp304Gly) has been reported once as de novo in an individual with Baker-Gordon syndrome (PMID: 30107533). (SP) 0807 - This variant has no previous evidence of pathogenicity. (I) 0905 - No published segregation evidence has been identified for this variant. (I) 1007 - No published functional evidence has been identified for this variant. (SP) Legend: (SP) - Supporting pathogenic, (I) - Information, (SB) - Supporting benign

Literature cited by the submitters: PubMed 30107533; PubMed 32362337.